The following is an entry in ClinVar:

ClinVar aggregate classification (germline): Pathogenic/Likely pathogenic. Review status: criteria provided, multiple submitters, no conflicts (2 of 4 stars). 4 submissions from 4 submitters: Pathogenic (3); Likely pathogenic (1). Last evaluated 2025-12-08.

Conditions:
Mitochondrial trifunctional protein deficiency 2 (MTPD2). Identifiers: MedGen C5830374, MONDO:0958185, OMIM 620300.
Mitochondrial trifunctional protein deficiency 1 (MTPD1). Identifiers: MedGen CN376812, MONDO:0958181, OMIM 609015.
Mitochondrial trifunctional protein deficiency. Identifiers: Orphanet 746, MedGen C1969443, MONDO:0012172.

Allele frequency attached by ClinVar (database versions not stated): ExAC 0.00002; gnomAD 0.00002; TOPMed 0.00002; 1000 Genomes Project 30x 0.00016; 1000 Genomes Project 0.00020.
gnomAD v4.1: 16 of 1,614,036 alleles (0.00099%); highest among the groups gnomAD compares: East Asian, 0.0067%; no homozygotes.

Submissions (4):

Labcorp Genetics (formerly Invitae), Labcorp
Classification: Pathogenic for Mitochondrial trifunctional protein deficiency. Last evaluated: 2025-12-08. Review status: criteria provided, single submitter. Criteria: Invitae Variant Classification Sherloc (09022015). Collection method: clinical testing. Allele origin: germline.
Comment: This sequence change creates a premature translational stop signal (p.Arg203*) in the HADHB gene. It is expected to result in an absent or disrupted protein product. Loss-of-function variants in HADHB are known to be pathogenic (PMID: 9259266, 12754706). This variant is present in population databases (rs534616210, gnomAD 0.006%). This premature translational stop signal has been observed in individual(s) with mitochondrial trifunctional protein deficiency (PMID: 12754706). This variant is also known as c.607C>T (p.R170X). ClinVar contains an entry for this variant (Variation ID: 2675981). For these reasons, this variant has been classified as Pathogenic.

3billion
Classification: Pathogenic for Mitochondrial trifunctional protein deficiency 2. Last evaluated: 2025-08-27. Review status: criteria provided, single submitter. Criteria: ACMG Guidelines, 2015. Collection method: clinical testing. Allele origin: germline. Affected: yes.
Comment: The variant is observed at an extremely low frequency in the gnomAD v4.1.0 dataset (total allele frequency: <0.001%). Predicted Consequence/Location: Stop-gained (nonsense): predicted to result in a loss or disruption of normal protein function through nonsense-mediated decay (NMD) or protein truncation. Multiple pathogenic variants are reported downstream of the variant. The variant has been reported at least twice as pathogenic without evidence for the classification (ClinVar ID: VCV002675981 /PMID: 12754706). Therefore, this variant is classified as Pathogenic according to the recommendation of ACMG/AMP guideline.

Baylor Genetics
Classification: Likely pathogenic for Mitochondrial trifunctional protein deficiency 1. Last evaluated: 2024-01-24. Review status: criteria provided, single submitter. Criteria: ACMG Guidelines, 2015. Collection method: clinical testing. Allele origin: unknown.

Juno Genomics, Hangzhou Juno Genomics, Inc
Classification: Pathogenic for Mitochondrial trifunctional protein deficiency 2. Review status: criteria provided, single submitter. Criteria: ACMG Guidelines, 2015. Collection method: clinical testing. Allele origin: germline.
Comment: Null variant in a gene where loss of function (LOF) is a known mechanism of disease.;Absent from controls (or at extremely low frequency if recessive) in Genome Aggregation Database.;Patient's phenotype or family history is highly specific for a disease with a single genetic etiology.

Literature cited by the submitters: PubMed 9259266 (cited by Labcorp Genetics (formerly Invitae), Labcorp); PubMed 12754706 (cited by Labcorp Genetics (formerly Invitae), Labcorp and 3billion).

NM_000183.3(HADHB):c.607C>T (p.Arg203Ter)

Gene: HADHB (hydroxyacyl-CoA dehydrogenase trifunctional multienzyme complex subunit beta; plus strand). Cytogenetic location: 2p23.3.
Variant type: single nucleotide variant.
Coding change: c.607C>T on transcript NM_000183.3 (MANE Select); coding-DNA position 607, C replaced by T.
Protein change: p.Arg203Ter; replaces arginine 203 with a stop codon.
Molecular consequence: nonsense.
Genome position (GRCh38, 1-based): chr2:26,278,778, C>T. VCF-style: chr2-26278778-C-T. GRCh37 (hg19) VCF-style: chr2-26501646-C-T.
Other names: c.562C>T, p.Arg188Ter (NM_001281512.2); c.541C>T, p.Arg181Ter (NM_001281513.2); short protein forms R181*, R188*, R203*.
Identifiers: ClinVar variation 2675981 (VCV002675981.8), dbSNP rs534616210, ClinGen allele CA1560274.